The following is an entry in ClinVar:

ClinVar aggregate classification (germline): Uncertain significance (1 of 4 stars; one submission).

Submission:

CeGaT Center for Human Genetics Tuebingen
Classification: Uncertain significance. Last evaluated: 2026-06-01. Review status: criteria provided, single submitter. Criteria: CeGaT Center For Human Genetics Tuebingen Variant Classification Criteria Version 2. Collection method: clinical testing. Allele origin: germline. Affected: yes. Observed: 1 variant allele.
Comment: RNF216: PM2

NM_207111.4(RNF216):c.1730G>A (p.Gly577Glu)

Gene: RNF216 (ring finger protein 216; minus strand). Cytogenetic location: 7p22.1.
Variant type: single nucleotide variant.
Coding change: c.1730G>A on transcript NM_207111.4 (MANE Select); coding-DNA position 1730, G replaced by A.
Protein change: p.Gly577Glu; replaces glycine 577 with glutamic acid.
Molecular consequence: missense variant.
Genome position (GRCh38, 1-based): chr7:5,715,156, C>T on the plus strand (G>A on the coding strand, the complement: RNF216 is on the minus strand). VCF-style: chr7-5715156-C-T. GRCh37 (hg19) VCF-style: chr7-5754787-C-T.
Other names: c.1559G>A, p.Gly520Glu (NM_001377156.1, NM_207116.3); short protein forms G520E, G577E.
Identifiers: ClinVar variation 4875322 (VCV004875322.2).